The following is an entry in ClinVar:

ClinVar aggregate classification (germline): Likely benign (1 of 4 stars; one submission).

Conditions:
Hypercholesterolemia, autosomal dominant, 3 (FHCL3). Also called: PCSK9-Related Familial Hypercholesterolemia, Autosomal Dominant; Familial Hypercholesterolemia, Autosomal Dominant, 3; Familial hypercholesterolemia 3. Identifiers: MedGen C1863551, MONDO:0011369, OMIM 603776.

Allele frequency attached by ClinVar (database versions not stated): gnomAD exomes 0.00001.

Submission:

All of Us Research Program, National Institutes of Health
Classification: Likely benign for Hypercholesterolemia, autosomal dominant, 3. Last evaluated: 2023-04-27. Review status: criteria provided, single submitter. Criteria: ACMG Guidelines, 2015. Collection method: clinical testing. Allele origin: germline. Inheritance: Autosomal dominant inheritance. Observed: 2 variant alleles, 2 heterozygotes.
Comment: This study involves interpretation of variants in research participants for the purpose of population health screening. Participant phenotype was not available at the time of variant classification. Additional details can be found in publication PMID: 35346344, PMCID: PMC8962531

NM_174936.4(PCSK9):c.879C>T (p.Tyr293=)

Gene: PCSK9 (proprotein convertase subtilisin/kexin type 9; plus strand). Cytogenetic location: 1p32.3.
Variant type: single nucleotide variant.
Coding change: c.879C>T on transcript NM_174936.4 (MANE Select); coding-DNA position 879, C replaced by T.
Protein change: p.Tyr293=; no amino-acid change (tyrosine 293 retained).
Molecular consequence: synonymous variant. On other transcripts: non-coding transcript variant (8).
Genome position (GRCh38, 1-based): chr1:55,056,072, C>T. VCF-style: chr1-55056072-C-T. GRCh37 (hg19) VCF-style: chr1-55521745-C-T.
Other names: c.1002C>T, p.Tyr334= (NM_001407240.1); c.879C>T, p.Tyr293= (NM_001407241.1, NM_001407244.1, NM_001407247.1); c.882C>T, p.Tyr294= (NM_001407242.1); c.822C>T, p.Tyr274= (NM_001407243.1); c.687C>T, p.Tyr229= (NM_001407245.1); c.504C>T, p.Tyr168= (NM_001407246.1).
Identifiers: ClinVar variation 3069969 (VCV003069969.1), dbSNP rs2523244358, ClinGen allele CA417959895.